The following is an entry in ClinVar:

ClinVar aggregate classification (germline): Conflicting classifications of pathogenicity. Review status: criteria provided, conflicting classifications (1 of 4 stars). 4 submissions from 4 submitters: Uncertain significance (1); Benign (2). 1 of the submissions does not count toward it. Last evaluated 2025-08-12.

Conditions:
Inborn genetic diseases. Identifiers: MedGen C0950123, MeSH D030342.
TMEM260-related disorder. Also called: TMEM260-related condition.

Allele frequency attached by ClinVar (database versions not stated): gnomAD exomes 0.00025 and 0.00074; ExAC 0.00091; gnomAD 0.00269 and 0.00280; ESP Exome Variant Server 0.00284; TOPMed 0.00290; 1000 Genomes Project 30x 0.00515; 1000 Genomes Project 0.00539.
gnomAD v4.1: 800 of 1,614,124 alleles (0.05%); highest among the groups gnomAD compares: African/African-American, 0.89%; 7 homozygotes.

Submissions (4):

Ambry Genetics
Classification: Uncertain significance for Inborn genetic diseases. Last evaluated: 2025-08-12. Review status: criteria provided, single submitter. Criteria: Ambry Variant Classification Scheme 2023. Collection method: clinical testing. Allele origin: germline.

Labcorp Genetics (formerly Invitae), Labcorp
Classification: Benign. Last evaluated: 2018-05-24. Review status: criteria provided, single submitter. Criteria: Invitae Variant Classification Sherloc (09022015). Collection method: clinical testing. Allele origin: germline.

Breakthrough Genomics
Classification: Benign. Review status: criteria provided, single submitter. Criteria: ACMG Guidelines, 2015. Collection method: not provided. Allele origin: germline. Inheritance: Autosomal recessive inheritance. Affected: yes.

PreventionGenetics, part of Exact Sciences
Classification: Benign for TMEM260-related condition. Last evaluated: 2020-07-28. Review status: no assertion criteria provided. Collection method: clinical testing. Allele origin: germline. Not counted in ClinVar's aggregate classification.
Comment: This variant is classified as benign based on ACMG/AMP sequence variant interpretation guidelines (Richards et al. 2015 PMID: 25741868, with internal and published modifications).

NM_017799.4(TMEM260):c.668G>T (p.Ser223Ile)

Gene: TMEM260 (transmembrane protein 260; plus strand). Cytogenetic location: 14q22.3.
Variant type: single nucleotide variant.
Coding change: c.668G>T on transcript NM_017799.4 (MANE Select); coding-DNA position 668, G replaced by T.
Protein change: p.Ser223Ile; replaces serine 223 with isoleucine.
Molecular consequence: missense variant.
Genome position (GRCh38, 1-based): chr14:56,609,137, G>T. VCF-style: chr14-56609137-G-T. GRCh37 (hg19) VCF-style: chr14-57075855-G-T.
Other names: short protein forms S223I.
Identifiers: ClinVar variation 782589 (VCV000782589.7), dbSNP rs61732702, ClinGen allele CA7199830.